The following is an entry in ClinVar:

NM_201253.3(CRB1):c.2024G>A (p.Trp675Ter)

Gene: CRB1 (crumbs cell polarity complex component 1; plus strand). Cytogenetic location: 1q31.3.
Variant type: single nucleotide variant.
Coding change: c.2024G>A on transcript NM_201253.3 (MANE Select); coding-DNA position 2024, G replaced by A.
Protein change: p.Trp675Ter; replaces tryptophan 675 with a stop codon.
Molecular consequence: nonsense. On other transcripts: non-coding transcript variant (2).
Genome position (GRCh38, 1-based): chr1:197,421,852, G>A. VCF-style: chr1-197421852-G-A. GRCh37 (hg19) VCF-style: chr1-197390982-G-A.
Other names: c.1688G>A, p.Trp563Ter (NM_001193640.2); c.1817G>A, p.Trp606Ter (NM_001257965.2); c.2024G>A, p.Trp675Ter (NM_001257966.2); short protein forms W563*, W606*, W675*.
Identifiers: ClinVar variation 978992 (VCV000978992.2), dbSNP rs1664348016, ClinGen allele CA344033515.
Genomic context (GRCh38, chr1:197,421,852, plus strand): 5'-TGGAGAACATCTCGTCTGGCTCATCATTAAATGTCAAGGCAGGCTGTGTGAGAAAGGATT[G>A]GTGTGAAAGCCAACCTTGTCAAAGCAGAGGACGCTGCATCAACTTGTGGCTGAGTTACCA-3'

ClinVar aggregate classification (germline): Pathogenic. Review status: criteria provided, single submitter (1 of 4 stars). 2 submissions from 2 submitters: Pathogenic (1). 1 of the submissions does not count toward it. Last evaluated 2020-06-10.

Conditions:
Autosomal recessive retinitis pigmentosa. Identifiers: MedGen C0339526.
Leber congenital amaurosis 8 (LCA8). Identifiers: Orphanet 65, MedGen C3151202, MONDO:0013453, OMIM 613835.

Submissions (2):

Baylor Genetics
Classification: Pathogenic for Leber congenital amaurosis 8. Last evaluated: 2020-06-10. Review status: criteria provided, single submitter. Criteria: ACMG Guidelines, 2015. Collection method: clinical testing. Allele origin: unknown. Affected: yes.
Comment: This variant was determined to be pathogenic according to ACMG Guidelines, 2015 [PMID:25741868].

Faculty of Health Sciences, Beirut Arab University
Classification: Pathogenic for Autosomal recessive Retinitis Pigmentosa. Last evaluated: 2012-10-26. Review status: no assertion criteria provided. Collection method: literature only. Allele origin: germline. Affected: yes. Observed: 1 variant allele. Not counted in ClinVar's aggregate classification.

Literature cited by the submitters: PubMed 23105016 (cited by Faculty of Health Sciences, Beirut Arab University).